The following is an entry in ClinVar:

ClinVar aggregate classification (germline): Likely pathogenic. Review status: criteria provided, multiple submitters, no conflicts (2 of 4 stars). 2 submissions from 2 submitters: Likely pathogenic (2). Last evaluated 2025-01-07.

Conditions:
Hypohidrotic X-linked ectodermal dysplasia (XHED). Also called: ECTODERMAL DYSPLASIA 1; ECTODERMAL DYSPLASIA, HYPOHIDROTIC, 1; CST SYNDROME; Anhidrotic ectodermal dysplasia X-linked; Christ Siemens Touraine syndrome; ECTODERMAL DYSPLASIA 1, HYPOHIDROTIC, X-LINKED. Identifiers: Orphanet 181, Orphanet 238468, MedGen C0162359, MONDO:0010585, OMIM 305100.

Submissions (2):

Centre of Medical Genetics, University Hospital Muenster
Classification: Likely pathogenic. Last evaluated: 2025-01-07. Review status: criteria provided, single submitter. Criteria: ACMG Guidelines, 2015. Collection method: clinical testing. Allele origin: unknown. Affected: yes. Observed: 1 variant allele.
Comment: ACMG categories: PS1,PM2,PM5,PP3

Labcorp Genetics (formerly Invitae), Labcorp
Classification: Likely pathogenic for Hypohidrotic X-linked ectodermal dysplasia. Last evaluated: 2024-09-28. Review status: criteria provided, single submitter. Criteria: Invitae Variant Classification Sherloc (09022015). Collection method: clinical testing. Allele origin: germline.
Comment: This sequence change replaces arginine, which is basic and polar, with serine, which is neutral and polar, at codon 384 of the EDA protein (p.Arg384Ser). This variant is not present in population databases (gnomAD no frequency). This missense change has been observed in individual(s) with clinical features of ectodermal dysplasia (PMID: 25333067; internal data). ClinVar contains an entry for this variant (Variation ID: 1016013). Invitae Evidence Modeling of protein sequence and biophysical properties (such as structural, functional, and spatial information, amino acid conservation, physicochemical variation, residue mobility, and thermodynamic stability) indicates that this missense variant is expected to disrupt EDA protein function with a positive predictive value of 95%. In summary, the currently available evidence indicates that the variant is pathogenic, but additional data are needed to prove that conclusively. Therefore, this variant has been classified as Likely Pathogenic.

Literature cited by the submitters: PubMed 25333067 (cited by Labcorp Genetics (formerly Invitae), Labcorp).

NM_001399.5(EDA):c.1152G>T (p.Arg384Ser)

Gene: EDA (ectodysplasin A; plus strand). Cytogenetic location: Xq13.1.
Variant type: single nucleotide variant.
Coding change: c.1152G>T on transcript NM_001399.5 (MANE Select); coding-DNA position 1152, G replaced by T.
Protein change: p.Arg384Ser; replaces arginine 384 with serine.
Molecular consequence: missense variant.
Genome position (GRCh38, 1-based): chrX:70,035,585, G>T. VCF-style: chrX-70035585-G-T. GRCh37 (hg19) VCF-style: chrX-69255435-G-T.
Other names: c.1146G>T, p.Arg382Ser (NM_001005609.2); c.1137G>T, p.Arg379Ser (NM_001005612.3); short protein forms R379S, R382S, R384S.
Identifiers: ClinVar variation 1016013 (VCV001016013.10), dbSNP rs2020256386, ClinGen allele CA413450503.
Genomic context (GRCh38, chrX:70,035,585, plus strand): 5'-GGTGCACGCTGACATCTCCATCAACATGAGCAAGCACACCACGTTCTTTGGGGCCATCAG[G>T]CTGGGTGAAGCCCCTGCATCCTAGATTCCCCCCATTTTGCCTCTGTCCGTGCCCCTTCCC-3'
Protein context (NP_001390.1, residues 374-391): SKHTTFFGAI[Arg384Ser]LGEAPAS